The following is an entry in ClinVar:

NM_147127.5(EVC2):c.2141T>C (p.Met714Thr)

Gene: EVC2 (EvC ciliary complex subunit 2; minus strand). Cytogenetic location: 4p16.2.
Variant type: single nucleotide variant.
Coding change: c.2141T>C on transcript NM_147127.5 (MANE Select); coding-DNA position 2141, T replaced by C.
Protein change: p.Met714Thr; replaces methionine 714 with threonine.
Molecular consequence: missense variant.
Genome position (GRCh38, 1-based): chr4:5,622,897, A>G on the plus strand (T>C on the coding strand, the complement: EVC2 is on the minus strand). VCF-style: chr4-5622897-A-G. GRCh37 (hg19) VCF-style: chr4-5624624-A-G.
Other names: c.1901T>C, p.Met634Thr (NM_001166136.2); short protein forms M634T, M714T.
Identifiers: ClinVar variation 3354707 (VCV003354707.4).

ClinVar aggregate classification (germline): Uncertain significance. Review status: criteria provided, multiple submitters, no conflicts (2 of 4 stars). 3 submissions from 3 submitters: Uncertain significance (2). 1 of the submissions does not count toward it. Last evaluated 2025-06-29.

Conditions:
Inborn genetic diseases. Identifiers: MedGen C0950123, MeSH D030342.
Ellis-van Creveld syndrome (EVC). Also called: MESOECTODERMAL DYSPLASIA; EVC-Related Ellis-van Creveld Syndrome; EVC2-Related Ellis-van Creveld Syndrome; Chondroectodermal dysplasia. Identifiers: Orphanet 289, MedGen C0013903, MONDO:0009162, OMIM 225500.
Curry-Hall syndrome (WAD). Also called: WEYERS ACRODENTAL DYSOSTOSIS. Identifiers: Orphanet 952, MedGen C0457013, MONDO:0008673, OMIM 193530.
EVC2-related disorder. Also called: EVC2-related condition.

gnomAD v4.1: 3 of 1,613,964 alleles (0.00019%); highest among the groups gnomAD compares: Non-Finnish European, 0.00025%; no homozygotes.

Submissions (3):

Ambry Genetics
Classification: Uncertain significance for Inborn genetic diseases. Last evaluated: 2025-06-29. Review status: criteria provided, single submitter. Criteria: Ambry Variant Classification Scheme 2023. Collection method: clinical testing. Allele origin: germline.

Labcorp Genetics (formerly Invitae), Labcorp
Classification: Uncertain significance for Curry-Hall syndrome; Ellis-van Creveld syndrome. Last evaluated: 2024-05-06. Review status: criteria provided, single submitter. Criteria: Invitae Variant Classification Sherloc (09022015). Collection method: clinical testing. Allele origin: germline.
Comment: This sequence change replaces methionine, which is neutral and non-polar, with threonine, which is neutral and polar, at codon 714 of the EVC2 protein (p.Met714Thr). This variant is not present in population databases (gnomAD no frequency). This variant has not been reported in the literature in individuals affected with EVC2-related conditions. An algorithm developed to predict the effect of missense changes on protein structure and function (PolyPhen-2) suggests that this variant is likely to be tolerated. In summary, the available evidence is currently insufficient to determine the role of this variant in disease. Therefore, it has been classified as a Variant of Uncertain Significance.

PreventionGenetics, part of Exact Sciences
Classification: Uncertain significance for EVC2-related condition. Last evaluated: 2024-08-29. Review status: no assertion criteria provided. Collection method: clinical testing. Allele origin: germline. Not counted in ClinVar's aggregate classification.
Comment: The EVC2 c.2141T>C variant is predicted to result in the amino acid substitution p.Met714Thr. To our knowledge, this variant has not been reported in the literature or in a large population database, indicating this variant is rare. At this time, the clinical significance of this variant is uncertain due to the absence of conclusive functional and genetic evidence.